The following is an entry in ClinVar:

ClinVar aggregate classification (germline): Pathogenic/Likely pathogenic. Review status: criteria provided, multiple submitters, no conflicts (2 of 4 stars). 2 submissions from 2 submitters: Pathogenic (1); Likely pathogenic (1). Last evaluated 2026-03-14.

Conditions:
Long chain 3-hydroxyacyl-CoA dehydrogenase deficiency. Also called: LCHAD Deficiency; Deficiency of long-chain 3-hydroxyacyl-coenzyme A dehydrogenase. Identifiers: Orphanet 5, MedGen C3711645, MONDO:0012173, OMIM 609016.

Submissions (2):

Myriad Genetics, Inc.
Classification: Pathogenic for Long chain 3-hydroxyacyl-CoA dehydrogenase deficiency. Last evaluated: 2026-03-14. Review status: criteria provided, single submitter. Criteria: Myriad Autosomal Dominant, Autosomal Recessive and X-Linked Classification Criteria (2023). Collection method: clinical testing. Allele origin: unknown.
Comment: NM_000182.4(HADHA):c.168_169delTC(P57Qfs*9) is expected to be pathogenic in the context of HADHA-related disorders. This variant is predicted to lead to an abnormal or absent protein product due to the creation of a premature termination codon in HADHA, a gene where loss-of-function variants are known to be pathogenic. Please note: this variant was assessed in the context of healthy population screening.

Natera, Inc.
Classification: Likely pathogenic for Deficiency of long-chain 3-hydroxyacyl-coenzyme A dehydrogenase. Last evaluated: 2025-12-02. Review status: criteria provided, single submitter. Criteria: Natera Variant Classification Schema (03/2026). Collection method: clinical testing. Allele origin: germline.
Comment: The c.168_169del variant in HADHA is a frameshift variant predicted to shift the reading frame beginning at codon 57 and leads to a stop codon 9 codons downstream. This variant is expected to result in nonsense mediated decay, truncation, or a dysfunctional protein product. This variant is rare in the general population with a frequency below the threshold expected for the associated phenotype(s). Given the available evidence, this variant is classified as Likely Pathogenic.

NM_000182.5(HADHA):c.168_169del (p.Pro57fs)

Gene: HADHA (hydroxyacyl-CoA dehydrogenase trifunctional multienzyme complex subunit alpha; minus strand). Cytogenetic location: 2p23.3.
Variant type: Microsatellite.
Coding change: c.168_169del on transcript NM_000182.5 (MANE Select); coding-DNA positions 168 to 169, 2 bases deleted (TC; older notation c.168_169delTC).
Protein change: p.Pro57fs; shifts the reading frame from proline 57.
Molecular consequence: frameshift variant.
Genome position (GRCh38, 1-based): chr2:26,238,945-26,238,946, GA deleted on the plus strand (TC on the coding strand, the reverse complement: HADHA is on the minus strand); deleting any 2 consecutive bases within chr2:26,238,945-26,238,949 gives the same sequence; the c. name uses the placement nearest the transcript's 3' end. VCF-style (leftmost placement, unchanged base first): chr2-26238944-GGA-G. GRCh37 (hg19) VCF-style: chr2-26461812-GGA-G.
Other names: short protein forms P57fs.
Identifiers: ClinVar variation 4817871 (VCV004817871.2).